The following is an entry in ClinVar:

NM_001743.6(CALM2):c.359AAG[1] (p.Glu121del)

Gene: CALM2 (calmodulin 2; minus strand). Cytogenetic location: 2p21.
Variant type: Microsatellite.
Coding change: c.359AAG[1] on transcript NM_001743.6 (MANE Select); one copy of the 3-base unit AAG starting at c.359; the reference has two copies in a row; one copy, 3 bases deleted.
Protein change: p.Glu121del; deletes glutamic acid 121.
Molecular consequence: inframe deletion.
Genome position (GRCh38, 1-based): chr2:47,161,780-47,161,782, CTT deleted on the plus strand (AAG on the coding strand, the reverse complement: CALM2 is on the minus strand); deleting any 3 consecutive bases within chr2:47,161,780-47,161,786 gives the same sequence; the position shown is the placement nearest the transcript's 3' end. VCF-style (leftmost placement, unchanged base first): chr2-47161779-ACTT-A. GRCh37 (hg19) VCF-style: chr2-47388918-ACTT-A.
Other names: c.503AAG[1], p.Glu169del (NM_001305624.1); c.251AAG[1], p.Glu85del (NM_001305625.2, NM_001305626.1); short protein forms E121del, E85del, E169del.
Identifiers: ClinVar variation 2802064 (VCV002802064.3), dbSNP rs2465707147, ClinGen allele CA2739274401.

ClinVar aggregate classification (germline): Uncertain significance (1 of 4 stars; one submission).

Conditions:
Long QT syndrome 1 (LQT1). Identifiers: Orphanet 101016, Orphanet 768, MedGen C4551647, MONDO:0100316, OMIM 192500, MONDO:0008646.

Submission:

Labcorp Genetics (formerly Invitae), Labcorp
Classification: Uncertain significance for Long QT syndrome 1. Last evaluated: 2023-07-14. Review status: criteria provided, single submitter. Criteria: Invitae Variant Classification Sherloc (09022015). Collection method: clinical testing. Allele origin: germline.
Comment: This variant, c.362_364del, results in the deletion of 1 amino acid(s) of the CALM2 protein (p.Glu121del), but otherwise preserves the integrity of the reading frame. Experimental studies and prediction algorithms are not available or were not evaluated, and the functional significance of this variant is currently unknown. In summary, the available evidence is currently insufficient to determine the role of this variant in disease. Therefore, it has been classified as a Variant of Uncertain Significance. This variant has not been reported in the literature in individuals affected with CALM2-related conditions. This variant is not present in population databases (gnomAD no frequency).